The following is an entry in ClinVar:

ClinVar aggregate classification (germline): Uncertain significance. Review status: criteria provided, multiple submitters, no conflicts (2 of 4 stars). 2 submissions from 2 submitters: Uncertain significance (2). Last evaluated 2025-10-17.

Conditions:
Inborn genetic diseases. Identifiers: MedGen C0950123, MeSH D030342.

gnomAD v4.1: 54 of 1,554,378 alleles (0.0035%); highest among the groups gnomAD compares: Admixed American, 0.013%; no homozygotes.

Submissions (2):

Ambry Genetics
Classification: Uncertain significance for Inborn genetic diseases. Last evaluated: 2025-10-17. Review status: criteria provided, single submitter. Criteria: Ambry Variant Classification Scheme 2023. Collection method: clinical testing. Allele origin: germline.

Labcorp Genetics (formerly Invitae), Labcorp
Classification: Uncertain significance. Last evaluated: 2024-06-30. Review status: criteria provided, single submitter. Criteria: Invitae Variant Classification Sherloc (09022015). Collection method: clinical testing. Allele origin: germline.
Comment: This sequence change replaces isoleucine, which is neutral and non-polar, with threonine, which is neutral and polar, at codon 704 of the TMPRSS6 protein (p.Ile704Thr). This variant is present in population databases (rs761411813, gnomAD 0.008%). This variant has not been reported in the literature in individuals affected with TMPRSS6-related conditions. An algorithm developed to predict the effect of missense changes on protein structure and function (PolyPhen-2) suggests that this variant is likely to be disruptive. In summary, the available evidence is currently insufficient to determine the role of this variant in disease. Therefore, it has been classified as a Variant of Uncertain Significance.

NM_001374504.1(TMPRSS6):c.2084T>C (p.Ile695Thr)

Gene: TMPRSS6 (transmembrane serine protease 6; minus strand). Cytogenetic location: 22q12.3.
Variant type: single nucleotide variant.
Coding change: c.2084T>C on transcript NM_001374504.1 (MANE Select); coding-DNA position 2084, T replaced by C.
Protein change: p.Ile695Thr; replaces isoleucine 695 with threonine.
Molecular consequence: missense variant.
Genome position (GRCh38, 1-based): chr22:37,069,102, A>G on the plus strand (T>C on the coding strand, the complement: TMPRSS6 is on the minus strand). VCF-style: chr22-37069102-A-G. GRCh37 (hg19) VCF-style: chr22-37465142-A-G.
Other names: c.2111T>C (NM_153609.2); c.2084T>C, p.Ile695Thr (NM_001289000.2, NM_001289001.2, NM_153609.4); short protein forms I695T.
Identifiers: ClinVar variation 3657433 (VCV003657433.2).